The following is an entry in ClinVar:

NM_022489.4(INF2):c.3509G>A (p.Gly1170Glu)

Gene: INF2 (inverted formin 2; plus strand). Cytogenetic location: 14q32.33.
Variant type: single nucleotide variant.
Coding change: c.3509G>A on transcript NM_022489.4 (MANE Select); coding-DNA position 3509, G replaced by A.
Protein change: p.Gly1170Glu; replaces glycine 1170 with glutamic acid.
Molecular consequence: missense variant.
Genome position (GRCh38, 1-based): chr14:104,714,671, G>A. VCF-style: chr14-104714671-G-A. GRCh37 (hg19) VCF-style: chr14-105181008-G-A.
Other names: c.3509G>A (NM_022489.3); c.3509G>A, p.Gly1170Glu (NM_001031714.4); short protein forms G1170E.
Identifiers: ClinVar variation 1440288 (VCV001440288.7), dbSNP rs776092624, ClinGen allele CA7373281.

ClinVar aggregate classification (germline): Conflicting classifications of pathogenicity. Review status: criteria provided, conflicting classifications (1 of 4 stars). 2 submissions from 2 submitters: Uncertain significance (1); Likely benign (1). Last evaluated 2026-07-21.

Conditions:
INF2-related disorder. Also called: INF2-related condition.
Focal segmental glomerulosclerosis 5 (FSGS5). Identifiers: Orphanet 656, MedGen C2750475, MONDO:0013191, OMIM 613237.
Charcot-Marie-Tooth disease dominant intermediate E. Also called: CHARCOT-MARIE-TOOTH NEUROPATHY WITH FOCAL SEGMENTAL GLOMERULONEPHRITIS. Identifiers: Orphanet 93114, MedGen C4302667, MONDO:0013758, OMIM 614455.

Allele frequency attached by ClinVar (database versions not stated): gnomAD 0.00001; gnomAD exomes 0.00001; ExAC 0.00002; TOPMed 0.00003.
gnomAD v4.1: 12 of 1,612,168 alleles (0.00074%); highest among the groups gnomAD compares: Admixed American, 0.0017%; no homozygotes.

Submissions (2):

PreventionGenetics, part of Exact Sciences
Classification: Uncertain significance for INF2-related condition. Last evaluated: 2026-07-21. Review status: criteria provided, single submitter. Criteria: ACMG Guidelines, 2015. Collection method: clinical testing. Allele origin: germline.
Comment: The INF2 c.3509G>A variant is predicted to result in the amino acid substitution p.Gly1170Glu. To our knowledge, this variant has not been reported in the literature. This variant is reported in 0.0016% of alleles in individuals of European (Non-Finnish) descent in gnomAD. At this time, the clinical significance of this variant is uncertain due to the absence of conclusive functional and genetic evidence.

Labcorp Genetics (formerly Invitae), Labcorp
Classification: Likely benign for Charcot-Marie-Tooth disease dominant intermediate E; Focal segmental glomerulosclerosis 5. Last evaluated: 2024-10-17. Review status: criteria provided, single submitter. Criteria: Invitae Variant Classification Sherloc (09022015). Collection method: clinical testing. Allele origin: germline.